The following is an entry in ClinVar:

NM_002076.4(GNS):c.1070C>T (p.Pro357Leu)

Gene: GNS (glucosamine (N-acetyl)-6-sulfatase; minus strand). Cytogenetic location: 12q14.3.
Variant type: single nucleotide variant.
Coding change: c.1070C>T on transcript NM_002076.4 (MANE Select); coding-DNA position 1070, C replaced by T.
Protein change: p.Pro357Leu; replaces proline 357 with leucine.
Molecular consequence: missense variant.
Genome position (GRCh38, 1-based): chr12:64,737,032, G>A on the plus strand (C>T on the coding strand, the complement: GNS is on the minus strand). VCF-style: chr12-64737032-G-A. GRCh37 (hg19) VCF-style: chr12-65130812-G-A.
Other names: short protein forms P357L.
Identifiers: ClinVar variation 1977522 (VCV001977522.5), dbSNP rs1869576092, ClinGen allele CA385605755.
Genomic context (GRCh38, chr12:64,737,032, plus strand): 5'-CTGTCCACAGCACCAGCTTGTCAGGCACCTACCTTGCTTGTCTGATTTGGTTTGATCCCA[G>A]GTCCTCGAACCAACAGTGGAACTTTGATATCAAACTCATACAGCTGTCTCTTGTCTATTG-3'
Protein context (NP_002067.1, residues 347-367): DIKVPLLVRG[Pro357Leu]GIKPNQTSKM

ClinVar aggregate classification (germline): Uncertain significance (1 of 4 stars; one submission).

Conditions:
Mucopolysaccharidosis, MPS-III-D (MPS3D). Also called: N-ACETYLGLUCOSAMINE-6-SULFATASE DEFICIENCY; SANFILIPPO SYNDROME D; MPS III D; Mucopoly-saccharidosis type 3D; N-acetylglucosamine-6-sulfate sulfatase deficiency; MPS 3D. Identifiers: Orphanet 581, Orphanet 79272, MedGen C0086650, MONDO:0009658, OMIM 252940.

Allele frequency attached by ClinVar (database versions not stated): TOPMed below 0.00001; gnomAD 0.00001.

Submission:

Labcorp Genetics (formerly Invitae), Labcorp
Classification: Uncertain significance for Mucopolysaccharidosis, MPS-III-D. Last evaluated: 2022-03-31. Review status: criteria provided, single submitter. Criteria: Invitae Variant Classification Sherloc (09022015). Collection method: clinical testing. Allele origin: germline.
Comment: In summary, the available evidence is currently insufficient to determine the role of this variant in disease. Therefore, it has been classified as a Variant of Uncertain Significance. Algorithms developed to predict the effect of missense changes on protein structure and function (SIFT, PolyPhen-2, Align-GVGD) all suggest that this variant is likely to be disruptive. This variant has not been reported in the literature in individuals affected with GNS-related conditions. This variant is not present in population databases (gnomAD no frequency). This sequence change replaces proline, which is neutral and non-polar, with leucine, which is neutral and non-polar, at codon 357 of the GNS protein (p.Pro357Leu).